The following is an entry in ClinVar:

ClinVar aggregate classification (germline): Uncertain significance. Review status: criteria provided, multiple submitters, no conflicts (2 of 4 stars). 2 submissions from 2 submitters: Uncertain significance (2). Last evaluated 2024-01-09.

Conditions:
Inborn genetic diseases. Identifiers: MedGen C0950123, MeSH D030342.

Allele frequency attached by ClinVar (database versions not stated): ExAC 0.00004; gnomAD exomes 0.00004; TOPMed 0.00004; gnomAD 0.00005; ESP Exome Variant Server 0.00008.
gnomAD v4.1: 68 of 1,613,748 alleles (0.0042%); highest among the groups gnomAD compares: Middle Eastern, 0.12%; 1 homozygote.

Submissions (2):

Labcorp Genetics (formerly Invitae), Labcorp
Classification: Uncertain significance. Last evaluated: 2024-01-09. Review status: criteria provided, single submitter. Criteria: Invitae Variant Classification Sherloc (09022015). Collection method: clinical testing. Allele origin: germline.
Comment: This sequence change replaces arginine, which is basic and polar, with tryptophan, which is neutral and slightly polar, at codon 1384 of the DNAH9 protein (p.Arg1384Trp). This variant is present in population databases (rs147589767, gnomAD 0.01%). This variant has not been reported in the literature in individuals affected with DNAH9-related conditions. ClinVar contains an entry for this variant (Variation ID: 2591992). Advanced modeling of protein sequence and biophysical properties (such as structural, functional, and spatial information, amino acid conservation, physicochemical variation, residue mobility, and thermodynamic stability) performed at Invitae indicates that this missense variant is expected to disrupt DNAH9 protein function with a positive predictive value of 80%. In summary, the available evidence is currently insufficient to determine the role of this variant in disease. Therefore, it has been classified as a Variant of Uncertain Significance.

Ambry Genetics
Classification: Uncertain significance for Inborn genetic diseases. Last evaluated: 2023-09-12. Review status: criteria provided, single submitter. Criteria: Ambry Variant Classification Scheme 2023. Collection method: clinical testing. Allele origin: germline.

NM_001372.4(DNAH9):c.4150C>T (p.Arg1384Trp)

Gene: DNAH9 (dynein axonemal heavy chain 9; plus strand). Cytogenetic location: 17p12.
Variant type: single nucleotide variant.
Coding change: c.4150C>T on transcript NM_001372.4 (MANE Select); coding-DNA position 4150, C replaced by T.
Protein change: p.Arg1384Trp; replaces arginine 1384 with tryptophan.
Molecular consequence: missense variant.
Genome position (GRCh38, 1-based): chr17:11,689,972, C>T. VCF-style: chr17-11689972-C-T. GRCh37 (hg19) VCF-style: chr17-11593289-C-T.
Other names: short protein forms R1384W.
Identifiers: ClinVar variation 2591992 (VCV002591992.3), dbSNP rs147589767, ClinGen allele CA8395613.